The following is an entry in ClinVar:

ClinVar aggregate classification (germline): Uncertain significance. Review status: criteria provided, multiple submitters, no conflicts (2 of 4 stars). 2 submissions from 2 submitters: Uncertain significance (2). Last evaluated 2025-08-05.

Conditions:
Hereditary cancer-predisposing syndrome. Also called: Neoplastic Syndromes, Hereditary; Tumor predisposition; Hereditary neoplastic syndrome; Hereditary Cancer Syndrome. Identifiers: Orphanet 140162, MedGen C0027672, MeSH D009386, MONDO:0015356.

Submissions (2):

Ambry Genetics
Classification: Uncertain significance for Hereditary cancer-predisposing syndrome. Last evaluated: 2025-08-05. Review status: criteria provided, single submitter. Criteria: Ambry Variant Classification Scheme 2023. Collection method: clinical testing. Allele origin: germline.
Comment: The p.T716I variant (also known as c.2147C>T), located in coding exon 11 of the BARD1 gene, results from a C to T substitution at nucleotide position 2147. The threonine at codon 716 is replaced by isoleucine, an amino acid with similar properties. This amino acid position is conserved. In addition, the in silico prediction for this alteration is inconclusive. Since supporting evidence is limited at this time, the clinical significance of this alteration remains unclear.

Color Diagnostics, LLC DBA Color Health
Classification: Uncertain significance for Hereditary cancer-predisposing syndrome. Last evaluated: 2024-03-06. Review status: criteria provided, single submitter. Criteria: ACMG Guidelines, 2015. Collection method: clinical testing. Allele origin: germline.
Comment: This missense variant replaces threonine with isoleucine at codon 716 of the BARD1 protein. Computational prediction suggests that this variant may not impact protein structure and function (internally defined REVEL score threshold <= 0.5, PMID: 27666373). To our knowledge, functional studies have not been reported for this variant. This variant has not been reported in individuals affected with hereditary cancer in the literature. This variant has not been identified in the general population by the Genome Aggregation Database (gnomAD). The available evidence is insufficient to determine the role of this variant in disease conclusively. Therefore, this variant is classified as a Variant of Uncertain Significance.

NM_000465.4(BARD1):c.2147C>T (p.Thr716Ile)

Gene: BARD1 (BRCA1 associated RING domain 1; minus strand). Cytogenetic location: 2q35.
Variant type: single nucleotide variant.
Coding change: c.2147C>T on transcript NM_000465.4 (MANE Select); coding-DNA position 2147, C replaced by T.
Protein change: p.Thr716Ile; replaces threonine 716 with isoleucine.
Molecular consequence: missense variant. On other transcripts: non-coding transcript variant (3).
Genome position (GRCh38, 1-based): chr2:214,728,863, G>A on the plus strand (C>T on the coding strand, the complement: BARD1 is on the minus strand). VCF-style: chr2-214728863-G-A. GRCh37 (hg19) VCF-style: chr2-215593587-G-A.
Other names: c.2090C>T, p.Thr697Ile (NM_001282543.2); c.794C>T, p.Thr265Ile (NM_001282545.2); c.737C>T, p.Thr246Ile (NM_001282548.2); c.608C>T, p.Thr203Ile (NM_001282549.2); c.2147C>T (NM_000465.2); short protein forms T716I, T246I, T265I, T203I, T697I.
Identifiers: ClinVar variation 628951 (VCV000628951.8), dbSNP rs1559372195, ClinGen allele CA350450479.